The following is an entry in ClinVar:

NM_024060.4(AHNAK):c.364C>G (p.Leu122Val)

Gene: AHNAK (AHNAK nucleoprotein; minus strand). Cytogenetic location: 11q12.3.
Variant type: single nucleotide variant.
Coding change: c.364C>G on transcript NM_024060.4; coding-DNA position 364, C replaced by G.
Protein change: p.Leu122Val; replaces leucine 122 with valine.
Molecular consequence: missense variant.
Genome position (GRCh38, 1-based): chr11:62,491,810, G>C on the plus strand (C>G on the coding strand, the complement: AHNAK is on the minus strand). VCF-style: chr11-62491810-G-C. GRCh37 (hg19) VCF-style: chr11-62259282-G-C.
Other names: short protein forms L122V.
Identifiers: ClinVar variation 3040138 (VCV003040138.2), dbSNP rs147937945, ClinGen allele CA6043583.

ClinVar aggregate classification (germline): Benign (0 of 4 stars; one submission).

Conditions:
AHNAK-related disorder. Also called: AHNAK-related condition.

Allele frequency attached by ClinVar (database versions not stated): TOPMed 0.00074; 1000 Genomes Project 30x 0.00141; gnomAD 0.00052; ExAC 0.00121; 1000 Genomes Project 0.00160.

Submission:

PreventionGenetics, part of Exact Sciences
Classification: Benign for AHNAK-related condition. Last evaluated: 2019-09-10. Review status: no assertion criteria provided. Collection method: clinical testing. Allele origin: germline.
Comment: This variant is classified as benign based on ACMG/AMP sequence variant interpretation guidelines (Richards et al. 2015 PMID: 25741868, with internal and published modifications).